The following is an entry in ClinVar:

ClinVar aggregate classification (germline): Uncertain significance. Review status: criteria provided, multiple submitters, no conflicts (2 of 4 stars). 2 submissions from 2 submitters: Uncertain significance (2). Last evaluated 2024-03-28.

Allele frequency attached by ClinVar (database versions not stated): gnomAD exomes below 0.00001 and 0.00001.
gnomAD v4.1: 18 of 1,613,780 alleles (0.0011%); highest among the groups gnomAD compares: South Asian, 0.0033%; no homozygotes.

Submissions (2):

Blueprint Genetics
Classification: Uncertain significance. Last evaluated: 2024-03-28. Review status: criteria provided, single submitter. Criteria: ACMG Guidelines, 2015. Collection method: clinical testing. Allele origin: germline.

GeneDx
Classification: Uncertain significance. Last evaluated: 2021-06-28. Review status: criteria provided, single submitter. Criteria: GeneDx Variant Classification Process June 2021. Collection method: clinical testing. Allele origin: germline. Affected: yes.
Comment: Not observed at significant frequency in large population cohorts (Lek et al., 2016); In silico analysis supports that this missense variant has a deleterious effect on protein structure/function; Has not been previously published as pathogenic or benign to our knowledge; This variant is associated with the following publications: (PMID: 27535533)

NM_022124.6(CDH23):c.6445C>T (p.Arg2149Trp)

Gene: CDH23 (cadherin related 23; plus strand). Cytogenetic location: 10q22.1.
Variant type: single nucleotide variant.
Coding change: c.6445C>T on transcript NM_022124.6 (MANE Select); coding-DNA position 6445, C replaced by T.
Protein change: p.Arg2149Trp; replaces arginine 2149 with tryptophan.
Molecular consequence: missense variant.
Genome position (GRCh38, 1-based): chr10:71,793,373, C>T. VCF-style: chr10-71793373-C-T. GRCh37 (hg19) VCF-style: chr10-73553130-C-T.
Other names: short protein forms R2149W.
Identifiers: ClinVar variation 1331204 (VCV001331204.3), dbSNP rs747377857, ClinGen allele CA209466174.